The following is an entry in ClinVar:

ClinVar aggregate classification (germline): Likely benign. Review status: reviewed by expert panel (3 of 4 stars). 8 submissions from 8 submitters: Likely benign (1). 7 of the submissions do not count toward it. Last evaluated 2017-06-29.

Conditions:
BRCA2-related disorder. Also called: BRCA2-related condition; BRCA2-related disorders. Identifiers: MedGen CN239275.
BRCA2-related cancer predisposition. Identifiers: MedGen CN377758, MONDO:0700269.
Hereditary cancer-predisposing syndrome. Also called: Hereditary neoplastic syndrome; Hereditary Cancer Syndrome; Neoplastic Syndromes, Hereditary; Tumor predisposition. Identifiers: Orphanet 140162, MedGen C0027672, MeSH D009386, MONDO:0015356.
Breast-ovarian cancer, familial, susceptibility to, 2 (BROVCA2). Also called: BRCA2 Hereditary Breast and Ovarian Cancer. Identifiers: Orphanet 145, MedGen C2675520, MONDO:0012933, OMIM 612555. Disease mechanism: loss of function.
Hereditary breast ovarian cancer syndrome. Also called: Hereditary breast and ovarian cancer syndrome; BRCA1- and BRCA2-Associated Hereditary Breast and Ovarian Cancer; Hereditary breast and/or ovarian cancer syndrome; Hereditary breast and ovarian cancer; Breast and ovarian cancer; Hereditary breast and ovarian cancer syndrome (HBOC). Identifiers: Orphanet 145, MedGen C0677776, MeSH D061325, MONDO:0003582. Disease mechanism: loss of function.

gnomAD v4.1: 3 of 1,595,592 alleles (0.00019%); highest among the groups gnomAD compares: Non-Finnish European, 0.00026%; no homozygotes.

Submissions (8):

Evidence-based Network for the Interpretation of Germline Mutant Alleles (ENIGMA)
Classification: Likely benign for Breast-ovarian cancer, familial, susceptibility to, 2. Last evaluated: 2017-06-29. Review status: reviewed by expert panel. Criteria: ENIGMA BRCA1/2 Classification Criteria (2017-06-29). Collection method: curation. Allele origin: germline.
Comment: Synonymous substitution variant, with low bioinformatic likelihood to result in a splicing aberration (Splicing prior probability 0.02).

Labcorp Genetics (formerly Invitae), Labcorp
Classification: Likely benign for Hereditary breast ovarian cancer syndrome. Last evaluated: 2025-08-17. Review status: criteria provided, single submitter. Criteria: Invitae Variant Classification Sherloc (09022015). Collection method: clinical testing. Allele origin: germline. Not counted in ClinVar's aggregate classification.

Quest Diagnostics Nichols Institute San Juan Capistrano
Classification: Likely benign. Last evaluated: 2024-12-03. Review status: criteria provided, single submitter. Criteria: Quest Diagnostics criteria. Collection method: clinical testing. Allele origin: unknown. Not counted in ClinVar's aggregate classification.

All of Us Research Program, National Institutes of Health
Classification: Likely benign for BRCA2-related cancer predisposition. Last evaluated: 2024-05-14. Review status: criteria provided, single submitter. Criteria: ACMG Guidelines, 2015. Collection method: clinical testing. Allele origin: germline. Inheritance: Autosomal dominant inheritance. Observed: 1 variant allele, 1 heterozygote. Not counted in ClinVar's aggregate classification.
Comment: This study involves interpretation of variants in research participants for the purpose of population health screening. Participant phenotype was not available at the time of variant classification. Additional details can be found in publication PMID: 35346344, PMCID: PMC8962531

Women's Health and Genetics/Laboratory Corporation of America, LabCorp
Classification: Likely benign. Last evaluated: 2019-08-21. Review status: criteria provided, single submitter. Criteria: LabCorp Variant Classification Summary - May 2015. Collection method: clinical testing. Allele origin: germline. Not counted in ClinVar's aggregate classification.

Color Diagnostics, LLC DBA Color Health
Classification: Likely benign for Hereditary cancer-predisposing syndrome. Last evaluated: 2016-12-12. Review status: criteria provided, single submitter. Criteria: ACMG Guidelines, 2015. Collection method: clinical testing. Allele origin: germline. Not counted in ClinVar's aggregate classification.

Ambry Genetics
Classification: Likely benign for Hereditary cancer-predisposing syndrome. Last evaluated: 2016-12-07. Review status: criteria provided, single submitter. Criteria: Ambry Variant Classification Scheme 2023. Collection method: clinical testing. Allele origin: germline. Not counted in ClinVar's aggregate classification.

PreventionGenetics, part of Exact Sciences
Classification: Likely benign for BRCA2-related condition. Last evaluated: 2020-09-04. Review status: no assertion criteria provided. Collection method: clinical testing. Allele origin: germline. Not counted in ClinVar's aggregate classification.
Comment: This variant is classified as likely benign based on ACMG/AMP sequence variant interpretation guidelines (Richards et al. 2015 PMID: 25741868, with internal and published modifications).

NM_000059.4(BRCA2):c.4320A>G (p.Lys1440=)

Gene: BRCA2 (BRCA2 DNA repair associated; plus strand). Cytogenetic location: 13q13.1.
Variant type: single nucleotide variant.
Coding change: c.4320A>G on transcript NM_000059.4 (MANE Select); coding-DNA position 4320, A replaced by G.
Protein change: p.Lys1440=; no amino-acid change (lysine 1440 retained).
Molecular consequence: synonymous variant.
Genome position (GRCh38, 1-based): chr13:32,338,675, A>G. VCF-style: chr13-32338675-A-G. GRCh37 (hg19) VCF-style: chr13-32912812-A-G.
Identifiers: ClinVar variation 427425 (VCV000427425.31), dbSNP rs769535925, ClinGen allele CA6940770.